The following is an entry in ClinVar:

NM_000834.5(GRIN2B):c.181C>T (p.His61Tyr)

Gene: GRIN2B (glutamate ionotropic receptor NMDA type subunit 2B; minus strand). Cytogenetic location: 12p13.1.
Variant type: single nucleotide variant.
Coding change: c.181C>T on transcript NM_000834.5 (MANE Select); coding-DNA position 181, C replaced by T.
Protein change: p.His61Tyr; replaces histidine 61 with tyrosine.
Molecular consequence: missense variant.
Genome position (GRCh38, 1-based): chr12:13,866,028, G>A on the plus strand (C>T on the coding strand, the complement: GRIN2B is on the minus strand). VCF-style: chr12-13866028-G-A. GRCh37 (hg19) VCF-style: chr12-14018962-G-A.
Other names: c.181C>T, p.His61Tyr (NM_001413992.1, NM_001413993.1, NM_001413994.1 and 1 more transcripts); short protein forms H61Y.
Identifiers: ClinVar variation 5022534 (VCV005022534.1).
Genomic context (GRCh38, chr12:13,866,028, plus strand): 5'-TGCTCTTTGGGTCGGTCTCATTCATGGCTACCAGTTCCACCCGGGGTACCACGGAGAGAT[G>A]GTGGAAATCATCTTTCTCGTGGGCATCCTTGATGGCCACCTCGTCGGAAGTGCCCACGAG-3'
Protein context (NP_000825.2, residues 51-71): KDAHEKDDFH[His61Tyr]LSVVPRVELV

ClinVar aggregate classification (germline): Uncertain significance (1 of 4 stars; one submission).

Conditions:
Inborn genetic diseases. Identifiers: MedGen C0950123, MeSH D030342.

Submission:

Ambry Genetics
Classification: Uncertain significance for Inborn genetic diseases. Last evaluated: 2026-09-11. Review status: criteria provided, single submitter. Criteria: Ambry Variant Classification Scheme 2023. Collection method: clinical testing. Allele origin: germline.
Comment: The c.181C>T (p.H61Y) alteration is located in exon 2 (coding exon 1) of the GRIN2B gene. This alteration results from a C to T substitution at nucleotide position 181, causing the histidine (H) at amino acid position 61 to be replaced by a tyrosine (Y). Based on data from gnomAD, the T allele has an overall frequency of <0.001% (1/250948) total alleles studied. The highest observed frequency was 0.001% (1/113296) of European (non-Finnish) alleles. Based on insufficient or conflicting evidence, the clinical significance of this alteration remains unclear.